The following is an entry in ClinVar:

NM_182972.3(IRF2BP2):c.1048+4G>T

Genes: IRF2BP2 (interferon regulatory factor 2 binding protein 2; minus strand), LOC129932810 (ATAC-STARR-seq lymphoblastoid active region 2760; plus strand). Cytogenetic location: 1q42.3.
Variant type: single nucleotide variant.
Coding change: c.1048+4G>T on transcript NM_182972.3 (MANE Select); 4 bases into the intron after coding-DNA position 1048, G replaced by T.
Molecular consequence: intron variant.
Genome position (GRCh38, 1-based): chr1:234,608,443, C>A on the plus strand (G>T on the coding strand, the complement: IRF2BP2 is on the minus strand). VCF-style: chr1-234608443-C-A. GRCh37 (hg19) VCF-style: chr1-234744189-C-A.
Other names: c.1000+52G>T (NM_001077397.1).
Identifiers: ClinVar variation 2886375 (VCV002886375.3), dbSNP rs769790458, ClinGen allele CA1461689.
Genomic context (GRCh38, chr1:234,608,443, plus strand): 5'-ACCCTTCCTCTGCTCTCCGTCCCCTTTTCTCCCCTAGACCCCCTCACTTCACAGCCGCCC[C>A]TACCTGCTTTAGACCCGTTGGCCCCGTTGGCCTCGAAACCCAACAACCTGCCTGCAGTCA-3'

ClinVar aggregate classification (germline): Uncertain significance (1 of 4 stars; one submission).

Allele frequency attached by ClinVar (database versions not stated): ExAC 0.00012.
gnomAD v4.1: 1 of 1,543,574 alleles (0.000065%); highest among the groups gnomAD compares: Non-Finnish European, 0.000088%; no homozygotes.

Submission:

Labcorp Genetics (formerly Invitae), Labcorp
Classification: Uncertain significance. Last evaluated: 2025-05-12. Review status: criteria provided, single submitter. Criteria: Invitae Variant Classification Sherloc (09022015). Collection method: clinical testing. Allele origin: germline.
Comment: This sequence change falls in intron 1 of the IRF2BP2 gene. It does not directly change the encoded amino acid sequence of the IRF2BP2 protein. It affects a nucleotide within the consensus splice site. The frequency data for this variant in the population databases is considered unreliable, as metrics indicate poor data quality at this position in the gnomAD database. This variant has not been reported in the literature in individuals affected with IRF2BP2-related conditions. ClinVar contains an entry for this variant (Variation ID: 2886375). Variants that disrupt the consensus splice site are a relatively common cause of aberrant splicing (PMID: 17576681, 9536098). Algorithms developed to predict the effect of sequence changes on RNA splicing suggest that this variant is not likely to affect RNA splicing. In summary, the available evidence is currently insufficient to determine the role of this variant in disease. Therefore, it has been classified as a Variant of Uncertain Significance.

Literature cited by the submitters: PubMed 17576681; PubMed 9536098.